The following is an entry in ClinVar:

NM_000336.3(SCNN1B):c.1495T>G (p.Phe499Val)

Gene: SCNN1B (sodium channel epithelial 1 subunit beta; plus strand). Cytogenetic location: 16p12.2.
Variant type: single nucleotide variant.
Coding change: c.1495T>G on transcript NM_000336.3 (MANE Select); coding-DNA position 1495, T replaced by G.
Protein change: p.Phe499Val; replaces phenylalanine 499 with valine.
Molecular consequence: missense variant.
Genome position (GRCh38, 1-based): chr16:23,380,122, T>G. VCF-style: chr16-23380122-T-G. GRCh37 (hg19) VCF-style: chr16-23391443-T-G.
Other names: c.1387T>G, p.Phe463Val (NM_001410900.1); short protein forms F463V, F499V.
Identifiers: ClinVar variation 2484916 (VCV002484916.7), dbSNP rs763423050, ClinGen allele CA7960552.
Genomic context (GRCh38, chr16:23,380,122, plus strand): 5'-TTAGTCCCGGCCCTTCTCGCTGCCTCCTGCAGGAAGGGAATTGTCAAGCTCAACATCTAC[T>G]TCCAAGAATTTAACTATCGCACCATTGAAGAATCAGCAGCCAATAACGTGAGTTTAGGAG-3'
Protein context (NP_000327.2, residues 489-509): RKGIVKLNIY[Phe499Val]QEFNYRTIEE

ClinVar aggregate classification (germline): Uncertain significance. Review status: criteria provided, multiple submitters, no conflicts (2 of 4 stars). 3 submissions from 3 submitters: Uncertain significance (3). Last evaluated 2025-04-01.

Conditions:
Inborn genetic diseases. Identifiers: MedGen C0950123, MeSH D030342.

Allele frequency attached by ClinVar (database versions not stated): gnomAD exomes below 0.00001; ExAC 0.00002; TOPMed 0.00002.
gnomAD v4.1: 6 of 1,614,070 alleles (0.00037%); highest among the groups gnomAD compares: Non-Finnish European, 0.00051%; no homozygotes.

Submissions (3):

Ambry Genetics
Classification: Uncertain significance for Inborn genetic diseases. Last evaluated: 2025-04-01. Review status: criteria provided, single submitter. Criteria: Ambry Variant Classification Scheme 2023. Collection method: clinical testing. Allele origin: germline.

Blueprint Genetics
Classification: Uncertain significance. Last evaluated: 2023-11-22. Review status: criteria provided, single submitter. Criteria: ACMG Guidelines, 2015. Collection method: clinical testing. Allele origin: germline.

Labcorp Genetics (formerly Invitae), Labcorp
Classification: Uncertain significance. Last evaluated: 2023-08-19. Review status: criteria provided, single submitter. Criteria: Invitae Variant Classification Sherloc (09022015). Collection method: clinical testing. Allele origin: germline.
Comment: ClinVar contains an entry for this variant (Variation ID: 2484916). This sequence change replaces phenylalanine, which is neutral and non-polar, with valine, which is neutral and non-polar, at codon 499 of the SCNN1B protein (p.Phe499Val). This variant is present in population databases (rs763423050, gnomAD 0.003%). This variant has not been reported in the literature in individuals affected with SCNN1B-related conditions. Advanced modeling of protein sequence and biophysical properties (such as structural, functional, and spatial information, amino acid conservation, physicochemical variation, residue mobility, and thermodynamic stability) has been performed at Invitae for this missense variant, however the output from this modeling did not meet the statistical confidence thresholds required to predict the impact of this variant on SCNN1B protein function. In summary, the available evidence is currently insufficient to determine the role of this variant in disease. Therefore, it has been classified as a Variant of Uncertain Significance.